The following is an entry in ClinVar:

NM_022041.4(GAN):c.1540G>A (p.Ala514Thr)

Gene: GAN (gigaxonin; plus strand). Cytogenetic location: 16q23.2.
Variant type: single nucleotide variant.
Coding change: c.1540G>A on transcript NM_022041.4 (MANE Select); coding-DNA position 1540, G replaced by A.
Protein change: p.Ala514Thr; replaces alanine 514 with threonine.
Molecular consequence: missense variant.
Genome position (GRCh38, 1-based): chr16:81,377,256, G>A. VCF-style: chr16-81377256-G-A. GRCh37 (hg19) VCF-style: chr16-81410861-G-A.
Other names: c.901G>A, p.Ala301Thr (NM_001377486.1); short protein forms A301T, A514T.
Identifiers: ClinVar variation 3686140 (VCV003686140.1).
Genomic context (GRCh38, chr16:81,377,256, plus strand): 5'-TTGTGCATGGGCTTTGTTTTCAGGTGGATCTATCTTAACGACCAGAATTTATGCATCCCC[G>A]CCAGTTCCTCTTTTGTTTATGGAGCTGTACCTATAGGAGCCAGTATTTATGTTATTGGAG-3'
Protein context (NP_071324.1, residues 504-524): YLNDQNLCIP[Ala514Thr]SSSFVYGAVP

ClinVar aggregate classification (germline): Uncertain significance (1 of 4 stars; one submission).

Conditions:
Giant axonal neuropathy 1 (GAN1). Also called: GIANT AXONAL NEUROPATHY 1, AUTOSOMAL RECESSIVE; GAN-Related Neurodegeneration. Identifiers: Orphanet 643, MedGen C1850386, MONDO:0009749, OMIM 256850.

gnomAD v4.1: 17 of 1,611,184 alleles (0.0011%); highest among the groups gnomAD compares: East Asian, 0.0022%; no homozygotes.

Submission:

Labcorp Genetics (formerly Invitae), Labcorp
Classification: Uncertain significance for Giant axonal neuropathy 1. Last evaluated: 2024-04-29. Review status: criteria provided, single submitter. Criteria: Invitae Variant Classification Sherloc (09022015). Collection method: clinical testing. Allele origin: germline.
Comment: This sequence change replaces alanine, which is neutral and non-polar, with threonine, which is neutral and polar, at codon 514 of the GAN protein (p.Ala514Thr). This variant is present in population databases (no rsID available, gnomAD 0.01%). This variant has not been reported in the literature in individuals affected with GAN-related conditions. An algorithm developed to predict the effect of missense changes on protein structure and function (PolyPhen-2) suggests that this variant¬†is likely to be tolerated. In summary, the available evidence is currently insufficient to determine the role of this variant in disease. Therefore, it has been classified as a Variant of Uncertain Significance.